The following is an entry in ClinVar:

ClinVar aggregate classification (germline): Uncertain significance. Review status: criteria provided, multiple submitters, no conflicts (2 of 4 stars). 8 submissions from 8 submitters: Uncertain significance (8). Last evaluated 2026-04-13.

Conditions:
Endometrial carcinoma. Also called: Endometrial carcinoma, somatic. Identifiers: MedGen C0476089, MONDO:0002447, OMIM 608089, HP:0012114.
Familial adenomatous polyposis 4 (FAP4). Also called: MSH3-related attenuated familial adenomatous polyposis. Identifiers: Orphanet 480536, MedGen C4310719, MONDO:0044300, OMIM 617100.
Hereditary cancer-predisposing syndrome. Also called: Neoplastic Syndromes, Hereditary; Tumor predisposition; Hereditary neoplastic syndrome; Hereditary Cancer Syndrome. Identifiers: Orphanet 140162, MedGen C0027672, MeSH D009386, MONDO:0015356.
MSH3-related disorder. Also called: MSH3-related condition.

Allele frequency attached by ClinVar (database versions not stated): ESP Exome Variant Server 0.00038; gnomAD 0.00042 and 0.00046; gnomAD exomes 0.00003 and 0.00008; ExAC 0.00008; TOPMed 0.00037.
gnomAD v4.1: 103 of 1,613,706 alleles (0.0064%); highest among the groups gnomAD compares: African/African-American, 0.13%; no homozygotes.

Submissions (8):

PreventionGenetics, part of Exact Sciences
Classification: Uncertain significance for MSH3-related condition. Last evaluated: 2026-04-13. Review status: criteria provided, single submitter. Criteria: ACMG Guidelines, 2015. Collection method: clinical testing. Allele origin: germline.
Comment: The MSH3 c.2016T>G variant is predicted to result in the amino acid substitution p.Ile672Met. This variant has been reported as a variant of uncertain significance in a patient with breast cancer (Table S4, Sandoval et al. 2021. PubMed ID: 33606809). This variant is reported in 0.13% of alleles in individuals of African descent in gnomAD and has been interpreted as uncertain in ClinVar (Variation ID: 641087). At this time, the clinical significance of this variant is uncertain due to the absence of conclusive functional and genetic evidence.

Quest Diagnostics Nichols Institute San Juan Capistrano
Classification: Uncertain significance. Last evaluated: 2025-10-30. Review status: criteria provided, single submitter. Criteria: Quest Diagnostics criteria. Collection method: clinical testing. Allele origin: unknown.
Comment: The MSH3 c.2016T>G (p.Ile672Met) variant has been reported in at least one individual with breast cancer (PMID: 33606809 (2021)) in the published literature. The frequency of this variant in the general population, 0.0013 (32/24950 chromosomes in African/African American subpopulation), is higher than would generally be expected for pathogenic variants in this gene. Analysis of this variant using bioinformatics tools for the prediction of the effect of amino acid changes on protein structure and function yielded predictions that this variant is benign. Based on the available information, we are unable to determine the clinical significance of this variant.

Labcorp Genetics (formerly Invitae), Labcorp
Classification: Uncertain significance. Last evaluated: 2025-01-23. Review status: criteria provided, single submitter. Criteria: Invitae Variant Classification Sherloc (09022015). Collection method: clinical testing. Allele origin: germline.
Comment: This sequence change replaces isoleucine, which is neutral and non-polar, with methionine, which is neutral and non-polar, at codon 672 of the MSH3 protein (p.Ile672Met). This variant is present in population databases (rs139593361, gnomAD 0.1%). This variant has not been reported in the literature in individuals affected with MSH3-related conditions. ClinVar contains an entry for this variant (Variation ID: 641087). An algorithm developed to predict the effect of missense changes on protein structure and function (PolyPhen-2) suggests that this variant is likely to be disruptive. In summary, the available evidence is currently insufficient to determine the role of this variant in disease. Therefore, it has been classified as a Variant of Uncertain Significance.

GeneDx
Classification: Uncertain significance. Last evaluated: 2024-08-05. Review status: criteria provided, single submitter. Criteria: GeneDx Variant Classification Process June 2021. Collection method: clinical testing. Allele origin: germline.
Comment: In silico analysis indicates that this missense variant does not alter protein structure/function; Observed in an individual with breast cancer (PMID: 33606809); This variant is associated with the following publications: (PMID: 33606809)

Department of Pathology and Laboratory Medicine, Sinai Health System
Classification: Uncertain significance for Familial adenomatous polyposis 4. Last evaluated: 2024-06-07. Review status: criteria provided, single submitter. Criteria: ACMG Guidelines, 2015. Collection method: clinical testing. Allele origin: germline. Affected: yes.

Ambry Genetics
Classification: Uncertain significance for Hereditary cancer-predisposing syndrome. Last evaluated: 2024-04-17. Review status: criteria provided, single submitter. Criteria: Ambry Variant Classification Scheme 2023. Collection method: clinical testing. Allele origin: germline.
Comment: The p.I672M variant (also known as c.2016T>G), located in coding exon 14 of the MSH3 gene, results from a T to G substitution at nucleotide position 2016. The isoleucine at codon 672 is replaced by methionine, an amino acid with highly similar properties. This variant has been identified in an individual diagnosed with breast cancer (Sandoval RL et al. PLoS One, 2021 Feb;16:e0247363). This amino acid position is not well conserved in available vertebrate species. In addition, this alteration is predicted to be tolerated by in silico analysis. Based on the available evidence, the clinical significance of this variant remains unclear.

Sema4
Classification: Uncertain significance for Hereditary cancer-predisposing syndrome. Last evaluated: 2021-12-08. Review status: criteria provided, single submitter. Criteria: Sema4 Curation Guidelines. Collection method: curation. Allele origin: germline.
Comment: The MSH3 c.2016T>G (p.I672M) variant has not been reported in the literature to our knowledge. It was observed in 32/24950 chromosomes of the African/African American subpopulation, with no homozygotes, in the large and broad cohorts of the Genome Aggregation Database (PMID: 32461654). This variant has been reported in ClinVar (Variation ID 641087). Functional studies have not been performed, and in silico predictions of the variant's effect on protein function are inconclusive. The evidence is insufficient to meet ACMG/AMP criteria for classifying the variant as benign or pathogenic. Thus, the clinical significance of this variant is currently uncertain.

Fulgent Genetics
Classification: Uncertain significance for Endometrial carcinoma; Familial adenomatous polyposis 4. Last evaluated: 2021-12-01. Review status: criteria provided, single submitter. Criteria: ACMG Guidelines, 2015. Collection method: clinical testing. Allele origin: unknown.

Literature cited by the submitters: PubMed 33606809 (cited by Quest Diagnostics Nichols Institute San Juan Capistrano and Ambry Genetics).

NM_002439.5(MSH3):c.2016T>G (p.Ile672Met)

Gene: MSH3 (mutS homolog 3; plus strand). Cytogenetic location: 5q14.1.
Variant type: single nucleotide variant.
Coding change: c.2016T>G on transcript NM_002439.5 (MANE Select); coding-DNA position 2016, T replaced by G.
Protein change: p.Ile672Met; replaces isoleucine 672 with methionine.
Molecular consequence: missense variant.
Genome position (GRCh38, 1-based): chr5:80,768,052, T>G. VCF-style: chr5-80768052-T-G. GRCh37 (hg19) VCF-style: chr5-80063871-T-G.
Other names: short protein forms I672M.
Identifiers: ClinVar variation 641087 (VCV000641087.23), dbSNP rs139593361, ClinGen allele CA3328114.